The following is an entry in ClinVar:

ClinVar aggregate classification (germline): Pathogenic/Likely pathogenic. Review status: criteria provided, multiple submitters, no conflicts (2 of 4 stars). 3 submissions from 3 submitters: Pathogenic (1); Likely pathogenic (2). Last evaluated 2024-06-04.

Conditions:
Short stature-optic atrophy-Pelger-Huët anomaly syndrome. Also called: Short stature, optic nerve atrophy, and Pelger-Huet anomaly; Short stature-optic atrophy-Pelger-HuC+t anomaly syndrome. Identifiers: Orphanet 391677, MedGen C3541319, MONDO:0013889, OMIM 614800.
Infantile liver failure syndrome 2 (ILFS2). Identifiers: MedGen C3809651, MONDO:0014659, OMIM 616483.

Submissions (3):

Fulgent Genetics
Classification: Likely pathogenic for Short stature-optic atrophy-Pelger-Huët anomaly syndrome; Infantile liver failure syndrome 2. Last evaluated: 2024-06-04. Review status: criteria provided, single submitter. Criteria: ACMG Guidelines, 2015. Collection method: clinical testing. Allele origin: germline.

Labcorp Genetics (formerly Invitae), Labcorp
Classification: Pathogenic. Last evaluated: 2020-11-10. Review status: criteria provided, single submitter. Criteria: Invitae Variant Classification Sherloc (09022015). Collection method: clinical testing. Allele origin: germline.
Comment: This sequence change creates a premature translational stop signal (p.Arg2106Alafs*14) in the NBAS gene. It is expected to result in an absent or disrupted protein product. Loss-of-function variants in NBAS are known to be pathogenic (PMID: 26073778, 26541327, 27789416, 28031453). This variant is not present in population databases (ExAC no frequency). This variant has not been reported in the literature in individuals with NBAS-related conditions. ClinVar contains an entry for this variant (Variation ID: 421958). For these reasons, this variant has been classified as Pathogenic.

GeneDx
Classification: Likely pathogenic. Last evaluated: 2016-08-05. Review status: criteria provided, single submitter. Criteria: GeneDx Variant Classification (06012015). Collection method: clinical testing. Allele origin: germline. Affected: yes.
Comment: The c.6316delC variant in the NBAS gene has not been reported previously as a pathogenic variant nor as a benign variant, to our knowledge. The c.6316delC variant causes a frameshift starting with codon Arginine 2106, changes this amino acid to an Alanine residue, and creates a premature Stop codon at position 14 of the new reading frame, denoted p.Arg2106AlafsX14. This variant is predicted to cause loss of normal protein function either through protein truncation or nonsense-mediated mRNA decay. The c.6316delC variant was not observed in approximately 6,500 individuals of European and African American ancestry in the NHLBI Exome Sequencing Project, indicating it is not a common benign variant in these populations. The c.6316delC variant is a strong candidate for a pathogenic variant, however the possibility it may be a rare benign variant cannot be excluded.

Literature cited by the submitters: PubMed 26073778 (cited by Labcorp Genetics (formerly Invitae), Labcorp); PubMed 26541327 (cited by Labcorp Genetics (formerly Invitae), Labcorp); PubMed 27789416 (cited by Labcorp Genetics (formerly Invitae), Labcorp); PubMed 28031453 (cited by Labcorp Genetics (formerly Invitae), Labcorp).

NM_015909.4(NBAS):c.6316del (p.Arg2106fs)

Gene: NBAS (NBAS subunit of NRZ tethering complex; minus strand). Cytogenetic location: 2p24.3.
Variant type: Deletion.
Coding change: c.6316del on transcript NM_015909.4 (MANE Select); coding-DNA position 6316, one base deleted (C; older notation c.6316delC).
Protein change: p.Arg2106fs; shifts the reading frame from arginine 2106.
Molecular consequence: frameshift variant.
Genome position (GRCh38, 1-based): chr2:15,218,889, G deleted on the plus strand (C on the coding strand, the reverse complement: NBAS is on the minus strand); the first of 4 consecutive G bases (chr2:15,218,889-15,218,892); deleting any one gives the same sequence. VCF-style (leftmost placement, unchanged base first): chr2-15218888-CG-C. GRCh37 (hg19) VCF-style: chr2-15359012-CG-C.
Other names: short protein forms R2106fs.
Identifiers: ClinVar variation 421958 (VCV000421958.8), dbSNP rs1064795471, ClinGen allele CA16617250.